The following is an entry in ClinVar:

NM_000051.4(ATM):c.2922-5C>G

Gene: ATM (ATM serine/threonine kinase; plus strand). Cytogenetic location: 11q22.3.
Variant type: single nucleotide variant.
Coding change: c.2922-5C>G on transcript NM_000051.4 (MANE Select); 5 bases into the intron before coding-DNA position 2922, C replaced by G.
Molecular consequence: intron variant.
Genome position (GRCh38, 1-based): chr11:108,271,246, C>G. VCF-style: chr11-108271246-C-G. GRCh37 (hg19) VCF-style: chr11-108141973-C-G.
Other names: c.2922-5C>G (NM_001351834.2).
Identifiers: ClinVar variation 3962968 (VCV003962968.1).

ClinVar aggregate classification (germline): Uncertain significance (1 of 4 stars; one submission).

Conditions:
Hereditary cancer-predisposing syndrome. Also called: Tumor predisposition; Hereditary neoplastic syndrome; Hereditary Cancer Syndrome; Neoplastic Syndromes, Hereditary. Identifiers: Orphanet 140162, MedGen C0027672, MeSH D009386, MONDO:0015356.

Submission:

Ambry Genetics
Classification: Uncertain significance for Hereditary cancer-predisposing syndrome. Last evaluated: 2025-05-20. Review status: criteria provided, single submitter. Criteria: Ambry Variant Classification Scheme 2023. Collection method: clinical testing. Allele origin: germline.
Comment: The c.2922-5C>G intronic variant results from a C to G substitution 5 nucleotides upstream from coding exon 19 in the ATM gene. This nucleotide position is not well conserved in available vertebrate species. In silico splice site analysis predicts that this alteration will not have any significant effect on splicing. Based on the available evidence, the clinical significance of this variant remains unclear.